The following is an entry in ClinVar:

NM_001297.5(CNGB1):c.2197C>G (p.Leu733Val)

Gene: CNGB1 (cyclic nucleotide gated channel subunit beta 1; minus strand). Cytogenetic location: 16q21.
Variant type: single nucleotide variant.
Coding change: c.2197C>G on transcript NM_001297.5 (MANE Select); coding-DNA position 2197, C replaced by G.
Protein change: p.Leu733Val; replaces leucine 733 with valine.
Molecular consequence: missense variant.
Genome position (GRCh38, 1-based): chr16:57,916,149, G>C on the plus strand (C>G on the coding strand, the complement: CNGB1 is on the minus strand). VCF-style: chr16-57916149-G-C. GRCh37 (hg19) VCF-style: chr16-57950053-G-C.
Other names: c.2179C>G, p.Leu727Val (NM_001286130.2); short protein forms L727V, L733V.
Identifiers: ClinVar variation 1975790 (VCV001975790.2), dbSNP rs370180993, ClinGen allele CA396063421.

ClinVar aggregate classification (germline): Uncertain significance (1 of 4 stars; one submission).

gnomAD v4.1: 4 of 1,614,086 alleles (0.00025%); highest among the groups gnomAD compares: Non-Finnish European, 0.00034%; no homozygotes.

Submission:

Labcorp Genetics (formerly Invitae), Labcorp
Classification: Uncertain significance. Last evaluated: 2022-03-28. Review status: criteria provided, single submitter. Criteria: Invitae Variant Classification Sherloc (09022015). Collection method: clinical testing. Allele origin: germline.
Comment: This sequence change replaces leucine, which is neutral and non-polar, with valine, which is neutral and non-polar, at codon 733 of the CNGB1 protein (p.Leu733Val). This variant is not present in population databases (gnomAD no frequency). This variant has not been reported in the literature in individuals affected with CNGB1-related conditions. Advanced modeling of protein sequence and biophysical properties (such as structural, functional, and spatial information, amino acid conservation, physicochemical variation, residue mobility, and thermodynamic stability) performed at Invitae indicates that this missense variant is not expected to disrupt CNGB1 protein function. In summary, the available evidence is currently insufficient to determine the role of this variant in disease. Therefore, it has been classified as a Variant of Uncertain Significance.